The following is an entry in ClinVar:

ClinVar aggregate classification (germline): Uncertain significance (1 of 4 stars; one submission).

Allele frequency attached by ClinVar (database versions not stated): TOPMed below 0.00001; gnomAD 0.00001; gnomAD exomes 0.00001; ExAC 0.00002.
gnomAD v4.1: 10 of 1,614,014 alleles (0.00062%); highest among the groups gnomAD compares: Non-Finnish European, 0.00076%; no homozygotes.

Submission:

Labcorp Genetics (formerly Invitae), Labcorp
Classification: Uncertain significance. Last evaluated: 2022-03-04. Review status: criteria provided, single submitter. Criteria: Invitae Variant Classification Sherloc (09022015). Collection method: clinical testing. Allele origin: germline.
Comment: This variant is present in population databases (rs749662740, gnomAD 0.002%). This sequence change affects codon 1172 of the CAD mRNA. It is a 'silent' change, meaning that it does not change the encoded amino acid sequence of the CAD protein. Algorithms developed to predict the effect of sequence changes on RNA splicing suggest that this variant may create or strengthen a splice site. In summary, the available evidence is currently insufficient to determine the role of this variant in disease. Therefore, it has been classified as a Variant of Uncertain Significance. This variant has not been reported in the literature in individuals affected with CAD-related conditions.

NM_004341.5(CAD):c.3516A>G (p.Gln1172=)

Gene: CAD (carbamoyl-phosphate synthetase 2, aspartate transcarbamylase, and dihydroorotase; plus strand). Cytogenetic location: 2p23.3.
Variant type: single nucleotide variant.
Coding change: c.3516A>G on transcript NM_004341.5 (MANE Select); coding-DNA position 3516, A replaced by G.
Protein change: p.Gln1172=; no amino-acid change (glutamine 1172 retained).
Molecular consequence: synonymous variant.
Genome position (GRCh38, 1-based): chr2:27,234,124, A>G. VCF-style: chr2-27234124-A-G. GRCh37 (hg19) VCF-style: chr2-27456992-A-G.
Other names: c.3327A>G, p.Gln1109= (NM_001306079.2).
Identifiers: ClinVar variation 2106515 (VCV002106515.4), dbSNP rs749662740, ClinGen allele CA1573297.
Genomic context (GRCh38, chr2:27,234,124, plus strand): 5'-TGAGCATGTGGAGAATGCAGGTGTGCATTCAGGTGATGCGACGCTGGTGACCCCCCCACA[A>G]GATATCACTGCCAAAACCCTGGAGCGGATCAAAGCCATTGTGCATGCTGTGGGCCAGGAG-3'
Protein context (NP_004332.2, residues 1162-1182): SGDATLVTPP[Gln1172=]DITAKTLERI